The following is an entry in ClinVar:

NM_000093.5(COL5A1):c.-15C>A

Gene: COL5A1 (collagen type V alpha 1 chain; plus strand). Cytogenetic location: 9q34.3.
Variant type: single nucleotide variant.
Coding change: c.-15C>A on transcript NM_000093.5 (MANE Select); 15 bases upstream of the start codon, C replaced by A.
Molecular consequence: 5 prime UTR variant.
Genome position (GRCh38, 1-based): chr9:134,642,173, C>A. VCF-style: chr9-134642173-C-A. GRCh37 (hg19) VCF-style: chr9-137534019-C-A.
Other names: c.-15C>A (NM_001278074.1).
Identifiers: ClinVar variation 136923 (VCV000136923.3), dbSNP rs587780907, ClinGen allele CA290343.

ClinVar aggregate classification (germline): Benign/Likely benign. Review status: criteria provided, multiple submitters, no conflicts (2 of 4 stars). 3 submissions from 3 submitters: Benign (2); Likely benign (1). Last evaluated 2024-11-04.

Allele frequency attached by ClinVar (database versions not stated): TOPMed 0.00065; gnomAD 0.00112 and 0.00119; gnomAD exomes 0.00116 and 0.00119.
gnomAD v4.1: 1,418 of 1,251,258 alleles (0.11%); highest among the groups gnomAD compares: Non-Finnish European, 0.11%; 3 homozygotes.

Submissions (3):

Blueprint Genetics
Classification: Likely benign. Last evaluated: 2024-11-04. Review status: criteria provided, single submitter. Criteria: ACMG Guidelines, 2015. Collection method: clinical testing. Allele origin: germline.

Women's Health and Genetics/Laboratory Corporation of America, LabCorp
Classification: Benign. Last evaluated: 2023-10-29. Review status: criteria provided, single submitter. Criteria: LabCorp Variant Classification Summary - May 2015. Collection method: clinical testing. Allele origin: germline.

GeneDx
Classification: Benign. Last evaluated: 2013-08-07. Review status: criteria provided, single submitter. Criteria: GeneDx Variant Classification (06012015). Collection method: clinical testing. Allele origin: germline. Affected: yes.
Comment: This variant is considered likely benign or benign based on one or more of the following criteria: it is a conservative change, it occurs at a poorly conserved position in the protein, it is predicted to be benign by multiple in silico algorithms, and/or has population frequency not consistent with disease.